The following is an entry in ClinVar:

NM_000093.5(COL5A1):c.2331+1G>A

Gene: COL5A1 (collagen type V alpha 1 chain; plus strand). Cytogenetic location: 9q34.3.
Variant type: single nucleotide variant.
Coding change: c.2331+1G>A on transcript NM_000093.5 (MANE Select); the canonical splice donor site of the intron after coding-DNA position 2331, G replaced by A.
Molecular consequence: splice donor variant.
Genome position (GRCh38, 1-based): chr9:134,772,835, G>A. VCF-style: chr9-134772835-G-A. GRCh37 (hg19) VCF-style: chr9-137664681-G-A.
Other names: c.2331+1G>A (NM_001278074.1).
Identifiers: ClinVar variation 2664973 (VCV002664973.2), dbSNP rs2490683572, ClinGen allele CA375451330.

ClinVar aggregate classification (germline): Likely pathogenic (1 of 4 stars; one submission).

Conditions:
Ehlers-Danlos syndrome, classic type, 1 (EDSCL1). Also called: EHLERS-DANLOS SYNDROME, GRAVIS TYPE; EHLERS-DANLOS SYNDROME, SEVERE CLASSIC TYPE; Ehlers-Danlos syndrome, type 1; Ehlers-Danlos Syndrome, Classic Type, COL5A1-Related; EDS I. Identifiers: MedGen C0268335, MONDO:0019567, OMIM 130000.

Submission:

Institute of Human Genetics, University of Leipzig Medical Center
Classification: Likely pathogenic for Ehlers-Danlos syndrome, classic type, 1. Last evaluated: 2023-11-15. Review status: criteria provided, single submitter. Criteria: ACMG Guidelines, 2015. Collection method: clinical testing. Allele origin: unknown. Inheritance: Autosomal dominant inheritance. Affected: yes.
Comment: Criteria applied: PVS1,PM2_SUP